The following is an entry in ClinVar:

NM_152490.5(B3GALNT2):c.762+9dup

Gene: B3GALNT2 (beta-1,3-N-acetylgalactosaminyltransferase 2; minus strand). Cytogenetic location: 1q42.3.
Variant type: Duplication.
Coding change: c.762+9dup on transcript NM_152490.5 (MANE Select); 9 bases into the intron after coding-DNA position 762, one base duplicated (T; older notation c.762+9dupT).
Molecular consequence: intron variant.
Genome position (GRCh38, 1-based): chr1:235,470,833, A duplicated on the plus strand (T on the coding strand, the reverse complement: B3GALNT2 is on the minus strand); the first of 9 consecutive A bases (chr1:235,470,833-235,470,841); duplicating any one gives the same sequence. VCF-style (leftmost placement, unchanged base first): chr1-235470832-T-TA. GRCh37 (hg19) VCF-style: chr1-235634146-T-TA.
Other names: c.885+9dup (NM_001277155.3); c.762+17dupT (NM_152490.2).
Identifiers: ClinVar variation 421191 (VCV000421191.9), dbSNP rs555883725, ClinGen allele CA1464804.
Genomic context (GRCh38, chr1:235,470,832, plus strand): 5'-AAGGTAAATTTTAGAACAATTTTATATATTAAAAAGAAGCTAAAATATGCAATTAAACCT[T>TA]AAAAAAAAACGACTTACTGTAATGACTCTGAGAACTCCCCCTCCATCATTCACTGTCACT-3'

ClinVar aggregate classification (germline): Benign/Likely benign. Review status: criteria provided, multiple submitters, no conflicts (2 of 4 stars). 2 submissions from 2 submitters: Benign (1); Likely benign (1). Last evaluated 2026-01-26.

Conditions:
Muscular dystrophy-dystroglycanopathy (congenital with brain and eye anomalies), type a, 11 (MDDGA11). Also called: Congenital muscular dystrophy-dystroglycanopathy with brain and eye anomalies, type A11; WALKER-WARBURG SYNDROME OR MUSCLE-EYE-BRAIN DISEASE, B3GALNT2-RELATED; Muscular dystrophy-dystroglycanopathy (congenital with brain and eye anomalies, type A, 11. Identifiers: Orphanet 588, Orphanet 899, MedGen C3554638, MONDO:0014071, OMIM 615181.

Submissions (2):

Labcorp Genetics (formerly Invitae), Labcorp
Classification: Benign for Muscular dystrophy-dystroglycanopathy (congenital with brain and eye anomalies), type a, 11. Last evaluated: 2026-01-26. Review status: criteria provided, single submitter. Criteria: Invitae Variant Classification Sherloc (09022015). Collection method: clinical testing. Allele origin: germline.

GeneDx
Classification: Likely benign. Last evaluated: 2016-06-30. Review status: criteria provided, single submitter. Criteria: GeneDx Variant Classification (06012015). Collection method: clinical testing. Allele origin: germline. Affected: yes.
Comment: This variant is considered likely benign or benign based on one or more of the following criteria: it is a conservative change, it occurs at a poorly conserved position in the protein, it is predicted to be benign by multiple in silico algorithms, and/or has population frequency not consistent with disease.